The following is an entry in ClinVar:

ClinVar aggregate classification (germline): Uncertain significance (1 of 4 stars; one submission).

Conditions:
Complement component 3 deficiency. Identifiers: Orphanet 280133, MedGen C3151071, MONDO:0013417, OMIM 613779.
C3 glomerulonephritis. Also called: Nephropathy due to CFHR5 Deficiency; C3 GLOMERULOPATHY 3. Identifiers: Orphanet 329931, MedGen C4055342, MONDO:0013892, OMIM 614809.
Atypical hemolytic-uremic syndrome. Identifiers: Orphanet 2134, MedGen C2931788, MONDO:0016244.

Submission:

Genomenon, Inc
Classification: Uncertain significance for Complement component 3 deficiency; C3 glomerulonephritis; Atypical hemolytic-uremic syndrome. Last evaluated: 2025-09-30. Review status: criteria provided, single submitter. Criteria: Genomenon Sequence Variant Interpretation Standards. Collection method: curation. Allele origin: germline. Affected: no.
Comment: C3 p.His414Pro (c.1241A>C) is a missense variant that changes the amino acid at residue 414 from Histidine to Proline. This variant has been reported in the published literature (PMID:20589629). It is absent or not present at a significant frequency in gnomAD. In silico models agree that this variant is not damaging. In conclusion, we classify C3 p.His414Pro (c.1241A>C) as a variant of unknown significance.

Literature cited by the submitters: PubMed 20589629.

NM_000064.4(C3):c.1241A>C (p.His414Pro)

Gene: C3 (complement C3; minus strand). Cytogenetic location: 19p13.3.
Variant type: single nucleotide variant.
Coding change: c.1241A>C on transcript NM_000064.4 (MANE Select); coding-DNA position 1241, A replaced by C.
Protein change: p.His414Pro; replaces histidine 414 with proline.
Molecular consequence: missense variant.
Genome position (GRCh38, 1-based): chr19:6,712,285, T>G on the plus strand (A>C on the coding strand, the complement: C3 is on the minus strand). VCF-style: chr19-6712285-T-G. GRCh37 (hg19) VCF-style: chr19-6712296-T-G.
Other names: short protein forms H414P.
Identifiers: ClinVar variation 4280285 (VCV004280285.1).